The following is an entry in ClinVar:

ClinVar aggregate classification (germline): Uncertain significance (1 of 4 stars; one submission).

Conditions:
HYPERHOMOCYSTEINEMIA, THROMBOTIC, CBS-RELATED. Identifiers: MedGen C3150344, OMIM 236200.

Submission:

Labcorp Genetics (formerly Invitae), Labcorp
Classification: Uncertain significance for HYPERHOMOCYSTEINEMIA, THROMBOTIC, CBS-RELATED. Last evaluated: 2022-08-23. Review status: criteria provided, single submitter. Criteria: Invitae Variant Classification Sherloc (09022015). Collection method: clinical testing. Allele origin: germline.
Comment: This sequence change replaces glutamine, which is neutral and polar, with lysine, which is basic and polar, at codon 550 of the CBS protein (p.Gln550Lys). This variant is not present in population databases (gnomAD no frequency). In summary, the available evidence is currently insufficient to determine the role of this variant in disease. Therefore, it has been classified as a Variant of Uncertain Significance. Algorithms developed to predict the effect of missense changes on protein structure and function (SIFT, PolyPhen-2, Align-GVGD) all suggest that this variant is likely to be tolerated. This variant has not been reported in the literature in individuals affected with CBS-related conditions.

NM_000071.3(CBS):c.1648C>A (p.Gln550Lys)

Gene: CBS (cystathionine beta-synthase; minus strand). Cytogenetic location: 21q22.3.
Variant type: single nucleotide variant.
Coding change: c.1648C>A on transcript NM_000071.3 (MANE Select); coding-DNA position 1648, C replaced by A.
Protein change: p.Gln550Lys; replaces glutamine 550 with lysine.
Molecular consequence: missense variant.
Genome position (GRCh38, 1-based): chr21:43,053,888, G>T on the plus strand (C>A on the coding strand, the complement: CBS is on the minus strand). VCF-style: chr21-43053888-G-T. GRCh37 (hg19) VCF-style: chr21-44473998-G-T.
Other names: c.1648C>A, p.Gln550Lys (NM_001178008.3, NM_001178009.3, NM_001320298.2); c.1333C>A, p.Gln445Lys (NM_001321072.1); short protein forms Q550K, Q445K.
Identifiers: ClinVar variation 1919126 (VCV001919126.5), dbSNP rs2517365240, ClinGen allele CA410394535.